The following is an entry in ClinVar:

ClinVar aggregate classification (germline): Uncertain significance. Review status: criteria provided, multiple submitters, no conflicts (2 of 4 stars). 2 submissions from 2 submitters: Uncertain significance (2). Last evaluated 2024-08-28.

Allele frequency attached by ClinVar (database versions not stated): TOPMed below 0.00001; gnomAD 0.00001; gnomAD exomes 0.00002 and 0.00004; ExAC 0.00007.
gnomAD v4.1: 30 of 1,607,318 alleles (0.0019%); highest among the groups gnomAD compares: Non-Finnish European, 0.0021%; no homozygotes.

Submissions (2):

Blueprint Genetics
Classification: Uncertain significance. Last evaluated: 2024-08-28. Review status: criteria provided, single submitter. Criteria: ACMG Guidelines, 2015. Collection method: clinical testing. Allele origin: germline.

Labcorp Genetics (formerly Invitae), Labcorp
Classification: Uncertain significance. Last evaluated: 2021-08-30. Review status: criteria provided, single submitter. Criteria: Invitae Variant Classification Sherloc (09022015). Collection method: clinical testing. Allele origin: germline.
Comment: This sequence change replaces alanine with valine at codon 590 of the RBP3 protein (p.Ala590Val). The alanine residue is weakly conserved and there is a small physicochemical difference between alanine and valine. This variant is present in population databases (rs781938600, ExAC 0.01%). This variant has not been reported in the literature in individuals affected with RBP3-related conditions. Algorithms developed to predict the effect of missense changes on protein structure and function output the following: SIFT: "Tolerated"; PolyPhen-2: "Benign"; Align-GVGD: "Class C0". The valine amino acid residue is found in multiple mammalian species, which suggests that this missense change does not adversely affect protein function. In summary, the available evidence is currently insufficient to determine the role of this variant in disease. Therefore, it has been classified as a Variant of Uncertain Significance.

NM_002900.3(RBP3):c.1769C>T (p.Ala590Val)

Gene: RBP3 (retinol binding protein 3; plus strand). Cytogenetic location: 10q11.22.
Variant type: single nucleotide variant.
Coding change: c.1769C>T on transcript NM_002900.3 (MANE Select); coding-DNA position 1769, C replaced by T.
Protein change: p.Ala590Val; replaces alanine 590 with valine.
Molecular consequence: missense variant.
Genome position (GRCh38, 1-based): chr10:47,350,253, C>T. VCF-style: chr10-47350253-C-T. GRCh37 (hg19) VCF-style: chr10-48389109-G-A.
Other names: short protein forms A590V.
Identifiers: ClinVar variation 1477743 (VCV001477743.6), dbSNP rs781938600, ClinGen allele CA5487437.